The following is an entry in ClinVar:

NM_004881.5(TP53I3):c.700C>T (p.Arg234Ter)

Genes: FAM228B (family with sequence similarity 228 member B; plus strand), TP53I3 (tumor protein p53 inducible protein 3; minus strand). Cytogenetic location: 2p23.3.
Variant type: single nucleotide variant.
Coding change: c.700C>T on transcript NM_004881.5 (MANE Select); coding-DNA position 700, C replaced by T.
Protein change: p.Arg234Ter; replaces arginine 234 with a stop codon.
Molecular consequence: nonsense. On other transcripts: intron variant (2).
Genome position (GRCh38, 1-based): chr2:24,079,560, G>A on the plus strand (C>T on the coding strand, the complement: TP53I3 is on the minus strand). VCF-style: chr2-24079560-G-A. GRCh37 (hg19) VCF-style: chr2-24302430-G-A.
Other names: c.700C>T, p.Arg234Ter (NM_147184.4); c.-289-1316G>A (NM_001291328.2); c.619+1259C>T (NM_001206802.2); short protein forms R234*.
Identifiers: ClinVar variation 3350961 (VCV003350961.1).

ClinVar aggregate classification (germline): Uncertain significance (0 of 4 stars; one submission).

Conditions:
TP53I3-related disorder. Also called: TP53I3-related condition.

gnomAD v4.1: 5 of 1,613,898 alleles (0.00031%); highest among the groups gnomAD compares: East Asian, 0.0022%; no homozygotes.

Submission:

PreventionGenetics, part of Exact Sciences
Classification: Uncertain significance for TP53I3-related condition. Last evaluated: 2024-07-18. Review status: no assertion criteria provided. Collection method: clinical testing. Allele origin: germline.
Comment: The TP53I3 c.700C>T variant is predicted to result in premature protein termination (p.Arg234*). To our knowledge, this variant has not been reported in the literature. This variant is reported in 0.0054% of alleles in individuals of East Asian descent in gnomAD. At this time, the clinical significance of this variant is uncertain due to the absence of conclusive functional and genetic evidence.